The following is an entry in ClinVar:

ClinVar aggregate classification (germline): Likely pathogenic (1 of 4 stars; one submission).

Conditions:
Werner syndrome (WRN). Identifiers: Orphanet 902, MedGen C0043119, MONDO:0010196, OMIM 277700.

Allele frequency attached by ClinVar (database versions not stated): gnomAD exomes 0.00001; TOPMed 0.00001; ExAC 0.00002; gnomAD 0.00002.
gnomAD v4.1: 10 of 1,613,168 alleles (0.00062%); highest among the groups gnomAD compares: African/African-American, 0.0053%; no homozygotes.

Submission:

Labcorp Genetics (formerly Invitae), Labcorp
Classification: Likely pathogenic for Werner syndrome. Last evaluated: 2023-11-01. Review status: criteria provided, single submitter. Criteria: Invitae Variant Classification Sherloc (09022015). Collection method: clinical testing. Allele origin: germline.
Comment: This sequence change affects a donor splice site in intron 32 of the WRN gene. It is expected to disrupt RNA splicing. Variants that disrupt the donor or acceptor splice site typically lead to a loss of protein function (PMID: 16199547), and loss-of-function variants in WRN are known to be pathogenic (PMID: 16673358). This variant is present in population databases (rs748618811, gnomAD 0.003%). This variant has not been reported in the literature in individuals affected with WRN-related conditions. ClinVar contains an entry for this variant (Variation ID: 658135). Algorithms developed to predict the effect of sequence changes on RNA splicing suggest that this variant may disrupt the consensus splice site. In summary, the currently available evidence indicates that the variant is pathogenic, but additional data are needed to prove that conclusively. Therefore, this variant has been classified as Likely Pathogenic.

Literature cited by the submitters: PubMed 16199547; PubMed 16673358.

NM_000553.6(WRN):c.3819+1G>A

Gene: WRN (WRN RecQ like helicase; plus strand). Cytogenetic location: 8p12.
Variant type: single nucleotide variant.
Coding change: c.3819+1G>A on transcript NM_000553.6 (MANE Select); the canonical splice donor site of the intron after coding-DNA position 3819, G replaced by A.
Molecular consequence: splice donor variant.
Genome position (GRCh38, 1-based): chr8:31,154,756, G>A. VCF-style: chr8-31154756-G-A. GRCh37 (hg19) VCF-style: chr8-31012272-G-A.
Identifiers: ClinVar variation 658135 (VCV000658135.6), dbSNP rs748618811, ClinGen allele CA4705183.
Genomic context (GRCh38, chr8:31,154,756, plus strand): 5'-ACACTTTCACAGTCTATGGCCATCACATACTCTTTATTCCAAGAAAAGAAGATGCCTTTG[G>A]TAAGTGTGACTTTCATGTTACAGGGAATTTTTTTAGTTTACTTAAACTTGTGTTTTATCA-3'